The following is an entry in ClinVar:

NM_001267550.2(TTN):c.64769G>A (p.Ser21590Asn)

Genes: TTN (titin; minus strand), TTN-AS1 (TTN antisense RNA 1; plus strand). Cytogenetic location: 2q31.2.
Variant type: single nucleotide variant.
Coding change: c.64769G>A on transcript NM_001267550.2 (MANE Select); coding-DNA position 64769, G replaced by A.
Protein change: p.Ser21590Asn; replaces serine 21590 with asparagine.
Molecular consequence: missense variant. On other transcripts: non-coding transcript variant (1).
Genome position (GRCh38, 1-based): chr2:178,584,872, C>T on the plus strand (G>A on the coding strand, the complement: TTN is on the minus strand). VCF-style: chr2-178584872-C-T. GRCh37 (hg19) VCF-style: chr2-179449599-C-T.
Other names: c.59846G>A, p.Ser19949Asn (NM_001256850.1); c.37574G>A, p.Ser12525Asn (NM_003319.4); c.57065G>A, p.Ser19022Asn (NM_133378.4); c.37949G>A, p.Ser12650Asn (NM_133432.3); c.38150G>A, p.Ser12717Asn (NM_133437.4); short protein forms S12650N, S12717N, S12525N, S19022N, S21590N, S19949N.
Identifiers: ClinVar variation 4984133 (VCV004984133.1).

ClinVar aggregate classification (germline): Uncertain significance (1 of 4 stars; one submission).

Conditions:
TTN-related disorder. Also called: TTN-related disorders; TTN-related condition; TTN-related disease.

gnomAD v4.1: 6 of 1,613,404 alleles (0.00037%); highest among the groups gnomAD compares: Middle Eastern, 0.017%; no homozygotes.

Submission:

PreventionGenetics, part of Exact Sciences
Classification: Uncertain significance for TTN-related condition. Last evaluated: 2026-07-01. Review status: criteria provided, single submitter. Criteria: ACMG Guidelines, 2015. Collection method: clinical testing. Allele origin: germline.
Comment: The TTN c.64769G>A variant is predicted to result in the amino acid substitution p.Ser21590Asn. To our knowledge, this variant has not been reported in the literature. This variant is reported in 0.0029% of alleles in individuals of Latino descent in gnomAD. At this time, the clinical significance of this variant is uncertain due to the absence of conclusive functional and genetic evidence.